The following is an entry in ClinVar:

ClinVar aggregate classification (germline): Uncertain significance (1 of 4 stars; one submission).

gnomAD v4.1: 2 of 1,613,934 alleles (0.00012%); highest among the groups gnomAD compares: Middle Eastern, 0.033%; no homozygotes.

Submission:

GeneDx
Classification: Uncertain significance. Last evaluated: 2023-06-09. Review status: criteria provided, single submitter. Criteria: GeneDx Variant Classification Process June 2021. Collection method: clinical testing. Allele origin: germline. Affected: yes.
Comment: Not observed at significant frequency in large population cohorts (gnomAD); In silico analysis supports that this missense variant has a deleterious effect on protein structure/function; Has not been previously published as pathogenic or benign to our knowledge; This variant is associated with the following publications: (PMID: 23472759)

NM_002291.3(LAMB1):c.4094C>T (p.Ser1365Phe)

Gene: LAMB1 (laminin subunit beta 1; minus strand). Cytogenetic location: 7q31.1.
Variant type: single nucleotide variant.
Coding change: c.4094C>T on transcript NM_002291.3 (MANE Select); coding-DNA position 4094, C replaced by T.
Protein change: p.Ser1365Phe; replaces serine 1365 with phenylalanine.
Molecular consequence: missense variant.
Genome position (GRCh38, 1-based): chr7:107,935,509, G>A on the plus strand (C>T on the coding strand, the complement: LAMB1 is on the minus strand). VCF-style: chr7-107935509-G-A. GRCh37 (hg19) VCF-style: chr7-107575954-G-A.
Other names: short protein forms S1365F.
Identifiers: ClinVar variation 3359689 (VCV003359689.1).